The following is an entry in ClinVar:

NM_001376.5(DYNC1H1):c.1704T>C (p.Leu568=)

Gene: DYNC1H1 (dynein cytoplasmic 1 heavy chain 1; plus strand). Cytogenetic location: 14q32.31.
Variant type: single nucleotide variant.
Coding change: c.1704T>C on transcript NM_001376.5 (MANE Select); coding-DNA position 1704, T replaced by C.
Protein change: p.Leu568=; no amino-acid change (leucine 568 retained).
Molecular consequence: synonymous variant.
Genome position (GRCh38, 1-based): chr14:101,985,929, T>C. VCF-style: chr14-101985929-T-C. GRCh37 (hg19) VCF-style: chr14-102452266-T-C.
Identifiers: ClinVar variation 312620 (VCV000312620.46), dbSNP rs192959810, ClinGen allele CA7351728.

ClinVar aggregate classification (germline): Likely benign. Review status: criteria provided, multiple submitters, no conflicts (2 of 4 stars). 11 submissions from 10 submitters: Likely benign (8). 3 of the submissions do not count toward it. Last evaluated 2026-07-01.

Conditions:
Autosomal dominant cerebellar ataxia. Also called: Spinocerebellar Ataxia, Dominant. Identifiers: Orphanet 99, MedGen C4087347, MONDO:0020380.
Charcot-Marie-Tooth disease. Also called: Charcot-Marie-Tooth Neuropathy; Charcot-Marie-Tooth Hereditary Neuropathy. Identifiers: Orphanet 166, MedGen C0007959, MONDO:0015626.
DYNC1H1-related disorder. Also called: DYNC1H1-related condition; DYNC1H1-related disorders. Identifiers: MedGen CN381529.
Charcot-Marie-Tooth disease axonal type 2O. Also called: Charcot-Marie-Tooth Neuropathy Type 2O; Charcot-Marie-Tooth disease, axonal, type 20; CHARCOT-MARIE-TOOTH NEUROPATHY, AXONAL, TYPE 2O; CHARCOT-MARIE-TOOTH DISEASE, AXONAL, AUTOSOMAL DOMINANT, TYPE 2O. Identifiers: Orphanet 284232, MedGen C3280220, MONDO:0013644, OMIM 614228.

Allele frequency attached by ClinVar (database versions not stated): ExAC 0.00010; gnomAD exomes 0.00011 and 0.00016; gnomAD 0.00021; TOPMed 0.00031; 1000 Genomes Project 0.00040; 1000 Genomes Project 30x 0.00047.
gnomAD v4.1: 212 of 1,614,238 alleles (0.013%); highest among the groups gnomAD compares: Middle Eastern, 0.082%; 1 homozygote.

Submissions (11):

CeGaT Center for Human Genetics Tuebingen
Classification: Likely benign. Last evaluated: 2026-07-01. Review status: criteria provided, single submitter. Criteria: CeGaT Center For Human Genetics Tuebingen Variant Classification Criteria Version 2. Collection method: clinical testing. Allele origin: germline. Affected: yes. Observed: 3 variant alleles.
Comment: DYNC1H1: BP4, BP7

Labcorp Genetics (formerly Invitae), Labcorp
Classification: Likely benign for Charcot-Marie-Tooth disease axonal type 2O. Last evaluated: 2025-12-31. Review status: criteria provided, single submitter. Criteria: Invitae Variant Classification Sherloc (09022015). Collection method: clinical testing. Allele origin: germline.

Blueprint Genetics
Classification: Likely benign. Last evaluated: 2024-10-16. Review status: criteria provided, single submitter. Criteria: ACMG Guidelines, 2015. Collection method: clinical testing. Allele origin: germline.

Illumina Laboratory Services, Illumina
Classification: Likely benign for Charcot-Marie-Tooth disease axonal type 2O. Last evaluated: 2018-01-13. Review status: criteria provided, single submitter. Criteria: ICSL Variant Classification Criteria 13 December 2019. Collection method: clinical testing. Allele origin: germline.
Comment: This variant was observed in the ICSL laboratory as part of a predisposition screen in an ostensibly healthy population. It had not been previously curated by ICSL or reported in the Human Gene Mutation Database (HGMD: prior to June 1st, 2018), and was therefore a candidate for classification through an automated scoring system. Utilizing variant allele frequency, disease prevalence and penetrance estimates, and inheritance mode, an automated score was calculated to assess if this variant is too frequent to cause the disease. Based on the score and internal cut-off values, a variant classified as likely benign is not then subjected to further curation. The score for this variant resulted in a classification of likely benign for this disease.

Illumina Laboratory Services, Illumina
Classification: Likely benign for Spinocerebellar Ataxia, Dominant. Last evaluated: 2018-01-13. Review status: criteria provided, single submitter. Criteria: ICSL Variant Classification Criteria 13 December 2019. Collection method: clinical testing. Allele origin: germline.
Comment: the same text as in the submission from Illumina Laboratory Services, Illumina above.

GeneDx
Classification: Likely benign. Last evaluated: 2016-07-28. Review status: criteria provided, single submitter. Criteria: GeneDx Variant Classification (06012015). Collection method: clinical testing. Allele origin: germline. Affected: yes.
Comment: This variant is considered likely benign or benign based on one or more of the following criteria: it is a conservative change, it occurs at a poorly conserved position in the protein, it is predicted to be benign by multiple in silico algorithms, and/or has population frequency not consistent with disease.

Breakthrough Genomics
Classification: Likely benign. Review status: criteria provided, single submitter. Criteria: ACMG Guidelines, 2015. Collection method: not provided. Allele origin: germline. Inheritance: Autosomal dominant inheritance. Affected: yes.

Molecular Genetics Laboratory, London Health Sciences Centre
Classification: Likely benign for Charcot-Marie-Tooth disease. Review status: criteria provided, single submitter. Criteria: ACMG Guidelines, 2015. Collection method: clinical testing. Allele origin: germline. Affected: yes.

PreventionGenetics, part of Exact Sciences
Classification: Likely benign for DYNC1H1-related condition. Last evaluated: 2019-05-24. Review status: no assertion criteria provided. Collection method: clinical testing. Allele origin: germline. Not counted in ClinVar's aggregate classification.
Comment: This variant is classified as likely benign based on ACMG/AMP sequence variant interpretation guidelines (Richards et al. 2015 PMID: 25741868, with internal and published modifications).

Clinical Genetics DNA and cytogenetics Diagnostics Lab, Erasmus MC, Erasmus Medical Center
Classification: Likely benign. Review status: no assertion criteria provided. Collection method: clinical testing. Allele origin: germline. Affected: yes. Study: VKGL Data-share Consensus. Not counted in ClinVar's aggregate classification.

Clinical Genetics, Academic Medical Center
Classification: Likely benign. Review status: no assertion criteria provided. Collection method: clinical testing. Allele origin: germline. Affected: yes. Study: VKGL Data-share Consensus. Not counted in ClinVar's aggregate classification.